The following is an entry in ClinVar:

ClinVar aggregate classification (germline): Pathogenic (1 of 4 stars; one submission).

gnomAD v4.1: 1 of 1,614,134 alleles (0.000062%); highest among the groups gnomAD compares: Middle Eastern, 0.016%; no homozygotes.

Submission:

Labcorp Genetics (formerly Invitae), Labcorp
Classification: Pathogenic. Last evaluated: 2026-01-20. Review status: criteria provided, single submitter. Criteria: Invitae Variant Classification Sherloc (09022015). Collection method: clinical testing. Allele origin: germline.
Comment: This sequence change creates a premature translational stop signal (p.Glu235*) in the CSGALNACT1 gene. It is expected to result in an absent or disrupted protein product. Loss-of-function variants in CSGALNACT1 are known to be pathogenic (PMID: 21148564, 27599773, 31325655). This variant is not present in population databases (gnomAD no frequency). This variant has not been reported in the literature in individuals affected with CSGALNACT1-related conditions. ClinVar contains an entry for this variant (Variation ID: 2879714). For these reasons, this variant has been classified as Pathogenic.

Literature cited by the submitters: PubMed 21148564; PubMed 27599773; PubMed 31325655.

NM_001354483.2(CSGALNACT1):c.703G>T (p.Glu235Ter)

Gene: CSGALNACT1 (chondroitin sulfate N-acetylgalactosaminyltransferase 1; minus strand). Cytogenetic location: 8p21.3.
Variant type: single nucleotide variant.
Coding change: c.703G>T on transcript NM_001354483.2 (MANE Select); coding-DNA position 703, G replaced by T.
Protein change: p.Glu235Ter; replaces glutamic acid 235 with a stop codon.
Molecular consequence: nonsense. On other transcripts: non-coding transcript variant (7).
Genome position (GRCh38, 1-based): chr8:19,458,574, C>A on the plus strand (G>T on the coding strand, the complement: CSGALNACT1 is on the minus strand). VCF-style: chr8-19458574-C-A. GRCh37 (hg19) VCF-style: chr8-19316085-C-A.
Other names: c.703G>T, p.Glu235Ter (NM_001130518.2, NM_001354475.2, NM_001354476.2 and 18 more transcripts); short protein forms E235*.
Identifiers: ClinVar variation 2879714 (VCV002879714.3), dbSNP rs746934517, ClinGen allele CA370457249.
Genomic context (GRCh38, chr8:19,458,574, plus strand): 5'-TTTCATTTTTCACTTTCATGATGGGGCCGAATGGTCGAAATAAGATGAGCCGTTTGAATT[C>A]GTGTTTGTGGTCCCCTTTGAAGGTGAGCTCATACAATGTCCCTTTGTCCCTTTCTGTTCG-3'